The following is an entry in ClinVar:

NM_017849.4(TMEM127):c.254T>G (p.Met85Arg)

Gene: TMEM127 (transmembrane protein 127; minus strand). Cytogenetic location: 2q11.2.
Variant type: single nucleotide variant.
Coding change: c.254T>G on transcript NM_017849.4 (MANE Select); coding-DNA position 254, T replaced by G.
Protein change: p.Met85Arg; replaces methionine 85 with arginine.
Molecular consequence: missense variant.
Genome position (GRCh38, 1-based): chr2:96,254,988, A>C on the plus strand (T>G on the coding strand, the complement: TMEM127 is on the minus strand). VCF-style: chr2-96254988-A-C. GRCh37 (hg19) VCF-style: chr2-96920726-A-C.
Other names: c.254T>G, p.Met85Arg (NM_001193304.3); c.2T>G, p.Met1Arg (NM_001407282.1, NM_001407283.1); short protein forms M1R, M85R.
Identifiers: ClinVar variation 1792939 (VCV001792939.3), dbSNP rs1684175273, ClinGen allele CA347653671.

ClinVar aggregate classification (germline): Uncertain significance (1 of 4 stars; one submission).

Conditions:
Hereditary cancer-predisposing syndrome. Also called: Tumor predisposition; Hereditary Cancer Syndrome; Neoplastic Syndromes, Hereditary; Hereditary neoplastic syndrome. Identifiers: Orphanet 140162, MedGen C0027672, MeSH D009386, MONDO:0015356.

Submission:

Ambry Genetics
Classification: Uncertain significance for Hereditary cancer-predisposing syndrome. Last evaluated: 2024-04-10. Review status: criteria provided, single submitter. Criteria: Ambry Variant Classification Scheme 2023. Collection method: clinical testing. Allele origin: germline.
Comment: The p.M85R variant (also known as c.254T>G), located in coding exon 2 of the TMEM127 gene, results from a T to G substitution at nucleotide position 254. The methionine at codon 85 is replaced by arginine, an amino acid with similar properties. This amino acid position is well conserved in available vertebrate species. In addition, this alteration is predicted to be deleterious by in silico analysis. Since supporting evidence is limited at this time, the clinical significance of this alteration remains unclear.